The following is an entry in ClinVar:

NM_002474.3(MYH11):c.5719C>G (p.Leu1907Val)

Genes: MYH11 (myosin heavy chain 11; minus strand), NDE1 (nudE neurodevelopment protein 1; plus strand). Cytogenetic location: 16p13.11.
Variant type: single nucleotide variant.
Coding change: c.5719C>G on transcript NM_002474.3 (MANE Select); coding-DNA position 5719, C replaced by G.
Protein change: p.Leu1907Val; replaces leucine 1907 with valine.
Molecular consequence: missense variant. On other transcripts: intron variant (2).
Genome position (GRCh38, 1-based): chr16:15,714,976, G>C on the plus strand (C>G on the coding strand, the complement: MYH11 is on the minus strand). VCF-style: chr16-15714976-G-C. GRCh37 (hg19) VCF-style: chr16-15808833-G-C.
Other names: c.5740C>G, p.Leu1914Val (NM_001040113.2, NM_001040114.2); c.5719C>G, p.Leu1907Val (NM_022844.3); c.948-9215G>C (NM_001143979.2, NM_017668.3); short protein forms L1907V, L1914V.
Identifiers: ClinVar variation 3075487 (VCV003075487.1), dbSNP rs1016706023, ClinGen allele CA278593499.

ClinVar aggregate classification (germline): Uncertain significance (1 of 4 stars; one submission).

Conditions:
Familial thoracic aortic aneurysm and aortic dissection (TAAD). Also called: Thoracic aortic aneurysms and dissections. Identifiers: Orphanet 91387, MedGen C4707243, MONDO:0019625.

Submission:

All of Us Research Program, National Institutes of Health
Classification: Uncertain significance for Familial thoracic aortic aneurysm and aortic dissection. Last evaluated: 2024-02-05. Review status: criteria provided, single submitter. Criteria: ACMG Guidelines, 2015. Collection method: clinical testing. Allele origin: germline. Inheritance: Autosomal dominant inheritance. Observed: 1 variant allele, 1 heterozygote.
Comment: This missense variant replaces leucine with valine at codon 1914 of the MYH11 protein. Computational prediction suggests that this variant may have deleterious impact on protein structure and function (internally defined REVEL score threshold >= 0.7, PMID: 27666373). To our knowledge, functional studies have not been reported for this variant. This variant has not been reported in individuals affected with MYH11-related disorders in the literature. This variant has not been identified in the general population by the Genome Aggregation Database (gnomAD). The available evidence is insufficient to determine the role of this variant in disease conclusively. Therefore, this variant is classified as a Variant of Uncertain Significance.

This study involves interpretation of variants in research participants for the purpose of population health screening. Participant phenotype was not available at the time of variant classification. Additional details can be found in publication PMID: 35346344, PMCID: PMC8962531